The following is an entry in ClinVar:

NM_032119.4(ADGRV1):c.8567-13C>T

Gene: ADGRV1 (adhesion G protein-coupled receptor V1; plus strand). Cytogenetic location: 5q14.3.
Variant type: single nucleotide variant.
Coding change: c.8567-13C>T on transcript NM_032119.4 (MANE Select); 13 bases into the intron before coding-DNA position 8567, C replaced by T.
Molecular consequence: intron variant.
Genome position (GRCh38, 1-based): chr5:90,706,218, C>T. VCF-style: chr5-90706218-C-T. GRCh37 (hg19) VCF-style: chr5-90002035-C-T.
Identifiers: ClinVar variation 46392 (VCV000046392.17), dbSNP rs75881968, ClinGen allele CA138248.

ClinVar aggregate classification (germline): Benign. Review status: criteria provided, multiple submitters, no conflicts (2 of 4 stars). 3 submissions from 3 submitters: Benign (3). Last evaluated 2026-02-04.

Allele frequency attached by ClinVar (database versions not stated): gnomAD 0.00280 and 0.00384; TOPMed 0.00478; ExAC 0.00753; gnomAD exomes 0.00767; 1000 Genomes Project 30x 0.01624; 1000 Genomes Project 0.01717.
gnomAD v4.1: 4,348 of 1,582,704 alleles (0.27%); highest among the groups gnomAD compares: East Asian, 8.4%; 170 homozygotes.

Submissions (3):

Labcorp Genetics (formerly Invitae), Labcorp
Classification: Benign. Last evaluated: 2026-02-04. Review status: criteria provided, single submitter. Criteria: Invitae Variant Classification Sherloc (09022015). Collection method: clinical testing. Allele origin: germline.

GeneDx
Classification: Benign. Last evaluated: 2019-01-21. Review status: criteria provided, single submitter. Criteria: GeneDx Variant Classification Process June 2021. Collection method: clinical testing. Allele origin: germline. Affected: yes.

Laboratory for Molecular Medicine, Mass General Brigham Personalized Medicine
Classification: Benign. Last evaluated: 2012-05-07. Review status: criteria provided, single submitter. Criteria: LMM Criteria. Collection method: clinical testing. Allele origin: germline. Observed: 12 variant alleles.
Comment: 8567-13C>T in Intron 37 of GPR98: This variant is not expected to have clinical significance because it has been identified in 5.0% (6/120) of chromosomes from a population in the dbSNP database (rs 75881968).